The following is an entry in ClinVar:

NM_001291303.3(FAT4):c.5883T>C (p.Ser1961=)

Gene: FAT4 (FAT atypical cadherin 4; plus strand). Cytogenetic location: 4q28.1.
Variant type: single nucleotide variant.
Coding change: c.5883T>C on transcript NM_001291303.3 (MANE Select); coding-DNA position 5883, T replaced by C.
Protein change: p.Ser1961=; no amino-acid change (serine 1961 retained).
Molecular consequence: synonymous variant.
Genome position (GRCh38, 1-based): chr4:125,408,757, T>C. VCF-style: chr4-125408757-T-C. GRCh37 (hg19) VCF-style: chr4-126329912-T-C.
Other names: c.5883T>C, p.Ser1961= (NM_001291285.3, NM_024582.6).
Identifiers: ClinVar variation 729522 (VCV000729522.16), dbSNP rs117016099, ClinGen allele CA3072816.

ClinVar aggregate classification (germline): Benign. Review status: criteria provided, multiple submitters, no conflicts (2 of 4 stars). 5 submissions from 5 submitters: Benign (2). 3 of the submissions do not count toward it. Last evaluated 2026-02-02.

Conditions:
FAT4-related disorder. Also called: FAT4-related condition.

Allele frequency attached by ClinVar (database versions not stated): gnomAD 0.00025 and 0.00052; gnomAD exomes 0.00045 and 0.00100; TOPMed 0.00050; ExAC 0.00093; 1000 Genomes Project 30x 0.00312; 1000 Genomes Project 0.00399.
gnomAD v4.1: 745 of 1,594,746 alleles (0.047%); highest among the groups gnomAD compares: East Asian, 1.6%; 5 homozygotes.

Submissions (5):

Labcorp Genetics (formerly Invitae), Labcorp
Classification: Benign. Last evaluated: 2026-02-02. Review status: criteria provided, single submitter. Criteria: Invitae Variant Classification Sherloc (09022015). Collection method: clinical testing. Allele origin: germline.

GeneDx
Classification: Benign. Last evaluated: 2019-01-09. Review status: criteria provided, single submitter. Criteria: GeneDx Variant Classification Process June 2021. Collection method: clinical testing. Allele origin: germline. Affected: yes.

PreventionGenetics, part of Exact Sciences
Classification: Benign for FAT4-related condition. Last evaluated: 2019-06-05. Review status: no assertion criteria provided. Collection method: clinical testing. Allele origin: germline. Not counted in ClinVar's aggregate classification.
Comment: This variant is classified as benign based on ACMG/AMP sequence variant interpretation guidelines (Richards et al. 2015 PMID: 25741868, with internal and published modifications).

Clinical Genetics DNA and cytogenetics Diagnostics Lab, Erasmus MC, Erasmus Medical Center
Classification: Likely benign. Review status: no assertion criteria provided. Collection method: clinical testing. Allele origin: germline. Affected: yes. Study: VKGL Data-share Consensus. Not counted in ClinVar's aggregate classification.

Clinical Genetics, Academic Medical Center
Classification: Likely benign. Review status: no assertion criteria provided. Collection method: clinical testing. Allele origin: germline. Affected: yes. Study: VKGL Data-share Consensus. Not counted in ClinVar's aggregate classification.